The following is an entry in ClinVar:

NM_019842.4(KCNQ5):c.1414C>T (p.Arg472Cys)

Gene: KCNQ5 (potassium voltage-gated channel subfamily Q member 5; plus strand). Cytogenetic location: 6q13.
Variant type: single nucleotide variant.
Coding change: c.1414C>T on transcript NM_019842.4 (MANE Select); coding-DNA position 1414, C replaced by T.
Protein change: p.Arg472Cys; replaces arginine 472 with cysteine.
Molecular consequence: missense variant. On other transcripts: intron variant (1).
Genome position (GRCh38, 1-based): chr6:73,133,587, C>T. VCF-style: chr6-73133587-C-T. GRCh37 (hg19) VCF-style: chr6-73843310-C-T.
Other names: c.1387C>T, p.Arg463Cys (NM_001160130.2); c.1444C>T, p.Arg482Cys (NM_001160132.2); c.1471C>T, p.Arg491Cys (NM_001160133.2); c.1247+9075C>T (NM_001160134.2); short protein forms R463C, R472C, R482C, R491C.
Identifiers: ClinVar variation 1477919 (VCV001477919.1), dbSNP rs1368108856, ClinGen allele CA364828405.

ClinVar aggregate classification (germline): Uncertain significance (1 of 4 stars; one submission).

Allele frequency attached by ClinVar (database versions not stated): gnomAD exomes below 0.00001; TOPMed below 0.00001.
gnomAD v4.1: 2 of 1,614,214 alleles (0.00012%); no homozygotes.

Submission:

Labcorp Genetics (formerly Invitae), Labcorp
Classification: Uncertain significance. Last evaluated: 2021-09-26. Review status: criteria provided, single submitter. Criteria: Invitae Variant Classification Sherloc (09022015). Collection method: clinical testing. Allele origin: germline.
Comment: This sequence change replaces arginine with cysteine at codon 491 of the KCNQ5 protein (p.Arg491Cys). The arginine residue is highly conserved and there is a large physicochemical difference between arginine and cysteine. This variant is not present in population databases (ExAC no frequency). This variant has not been reported in the literature in individuals affected with KCNQ5-related conditions. Advanced modeling of protein sequence and biophysical properties (such as structural, functional, and spatial information, amino acid conservation, physicochemical variation, residue mobility, and thermodynamic stability) performed at Invitae indicates that this missense variant is expected to disrupt KCNQ5 protein function. In summary, the available evidence is currently insufficient to determine the role of this variant in disease. Therefore, it has been classified as a Variant of Uncertain Significance.